The following is an entry in ClinVar:

ClinVar aggregate classification (germline): Benign/Likely benign. Review status: criteria provided, multiple submitters, no conflicts (2 of 4 stars). 10 submissions from 10 submitters: Benign (4); Likely benign (6). Last evaluated 2026-09-01.

Conditions:
Early-infantile DEE. Also called: Ohtahara syndrome; Early infantile epileptic encephalopathy with suppression bursts; Early infantile epileptic encephalopathy. Identifiers: Orphanet 1934, MedGen C0393706, MONDO:0800491.
Inborn genetic diseases. Identifiers: MedGen C0950123, MeSH D030342.
Developmental and epileptic encephalopathy, 5 (DEE5). Identifiers: Orphanet 3451, MedGen C3150731, MONDO:0013277, OMIM 613477.
Lymphedema. Also called: Lymphoedema. Identifiers: MedGen C0024236, MONDO:0019297, HP:0001004.

Allele frequency attached by ClinVar (database versions not stated): gnomAD 0.00032 and 0.00029; ExAC 0.00037; gnomAD exomes 0.00039 and 0.00040; TOPMed 0.00028; ESP Exome Variant Server 0.00031; 1000 Genomes Project 30x 0.00016; 1000 Genomes Project 0.00020.
gnomAD v4.1: 634 of 1,613,974 alleles (0.039%); highest among the groups gnomAD compares: Middle Eastern, 0.066%; 1 homozygote.

Submissions (10):

CeGaT Center for Human Genetics Tuebingen
Classification: Likely benign. Last evaluated: 2026-09-01. Review status: criteria provided, single submitter. Criteria: CeGaT Center For Human Genetics Tuebingen Variant Classification Criteria Version 2. Collection method: clinical testing. Allele origin: germline. Affected: yes. Observed: 7 variant alleles.
Comment: SPTAN1: BS1

Labcorp Genetics (formerly Invitae), Labcorp
Classification: Benign for Early-infantile DEE. Last evaluated: 2025-12-13. Review status: criteria provided, single submitter. Criteria: Invitae Variant Classification Sherloc (09022015). Collection method: clinical testing. Allele origin: germline.

Athena Diagnostics
Classification: Likely benign. Last evaluated: 2024-12-31. Review status: criteria provided, single submitter. Criteria: Athena Diagnostics Criteria. Collection method: clinical testing. Allele origin: unknown.
Comment: The frequency of this variant in the general population is higher than would generally be expected for pathogenic variants in this gene. Computational tools predict this amino acid change may be benign.

Ambry Genetics
Classification: Likely benign for Inborn genetic diseases. Last evaluated: 2024-08-01. Review status: criteria provided, single submitter. Criteria: Ambry Variant Classification Scheme 2023. Collection method: clinical testing. Allele origin: germline.

Blueprint Genetics
Classification: Likely benign. Last evaluated: 2024-03-13. Review status: criteria provided, single submitter. Criteria: ACMG Guidelines, 2015. Collection method: clinical testing. Allele origin: germline.

Revvity Omics, Revvity
Classification: Likely benign. Last evaluated: 2023-10-30. Review status: criteria provided, single submitter. Criteria: ACMG Guidelines, 2015. Collection method: clinical testing. Allele origin: germline.

Genome-Nilou Lab
Classification: Benign for Developmental and epileptic encephalopathy, 5. Last evaluated: 2021-07-15. Review status: criteria provided, single submitter. Criteria: ACMG Guidelines, 2015. Collection method: clinical testing. Allele origin: germline. Affected: no.

Cambridge Genomics Laboratory, East Genomic Laboratory Hub, NHS Genomic Medicine Service
Classification: Benign for Lymphedema. Last evaluated: 2019-09-09. Review status: criteria provided, single submitter. Criteria: ACGS Best Practice Guidelines for Variant Classification in Rare Disease 2020. Collection method: clinical testing. Allele origin: germline. Affected: yes. Observed: 1 variant allele.

GeneDx
Classification: Benign. Last evaluated: 2019-05-30. Review status: criteria provided, single submitter. Criteria: GeneDx Variant Classification Process June 2021. Collection method: clinical testing. Allele origin: germline. Affected: yes.

Fulgent Genetics
Classification: Likely benign for Developmental and epileptic encephalopathy, 5. Last evaluated: 2018-10-31. Review status: criteria provided, single submitter. Criteria: ACMG Guidelines, 2015. Collection method: clinical testing. Allele origin: unknown.

Literature cited by the submitters: PubMed 26350204 (cited by Athena Diagnostics).

NM_001130438.3(SPTAN1):c.7319G>A (p.Arg2440Gln)

Gene: SPTAN1 (spectrin alpha, non-erythrocytic 1; plus strand). Cytogenetic location: 9q34.11.
Variant type: single nucleotide variant.
Coding change: c.7319G>A on transcript NM_001130438.3 (MANE Select); coding-DNA position 7319, G replaced by A.
Protein change: p.Arg2440Gln; replaces arginine 2440 with glutamine.
Molecular consequence: missense variant.
Genome position (GRCh38, 1-based): chr9:128,633,219, G>A. VCF-style: chr9-128633219-G-A. GRCh37 (hg19) VCF-style: chr9-131395498-G-A.
Other names: p.R2440Q:CGG>CAG; c.7244G>A, p.Arg2415Gln (NM_001195532.2); c.7382G>A, p.Arg2461Gln (NM_001363759.2); c.7259G>A, p.Arg2420Gln (NM_001363765.2); c.7304G>A, p.Arg2435Gln (NM_003127.4); short protein forms R2440Q, R2415Q, R2461Q, R2420Q, R2435Q.
Identifiers: ClinVar variation 207310 (VCV000207310.50), dbSNP rs141980692, ClinGen allele CA318652.